The following is an entry in ClinVar:

ClinVar aggregate classification (germline): Uncertain significance (1 of 4 stars; one submission).

Submission:

CeGaT Center for Human Genetics Tuebingen
Classification: Uncertain significance. Last evaluated: 2024-10-01. Review status: criteria provided, single submitter. Criteria: CeGaT Center For Human Genetics Tuebingen Variant Classification Criteria Version 2. Collection method: clinical testing. Allele origin: germline. Affected: yes. Observed: 1 variant allele.
Comment: IKZF1: PM2, BP4

NM_006060.6(IKZF1):c.1223G>A (p.Arg408His)

Gene: IKZF1 (IKAROS family zinc finger 1; plus strand). Cytogenetic location: 7p12.2.
Variant type: single nucleotide variant.
Coding change: c.1223G>A on transcript NM_006060.6 (MANE Select); coding-DNA position 1223, G replaced by A.
Protein change: p.Arg408His; replaces arginine 408 with histidine.
Molecular consequence: missense variant.
Genome position (GRCh38, 1-based): chr7:50,400,290, G>A. VCF-style: chr7-50400290-G-A. GRCh37 (hg19) VCF-style: chr7-50467988-G-A.
Other names: c.1097G>A, p.Arg366His (NM_001220765.3, NM_001291837.2); c.932G>A, p.Arg311His (NM_001220767.2); c.962G>A, p.Arg321His (NM_001220768.2, NM_001291838.2); c.806G>A, p.Arg269His (NM_001220770.2); c.794G>A, p.Arg265His (NM_001220771.2, NM_001291841.1); c.836G>A, p.Arg279His (NM_001291839.2); c.533G>A, p.Arg178His (NM_001291840.1); c.764G>A, p.Arg255His (NM_001291842.1); and 3 more; short protein forms R178H, R213H, R223H, R255H, R265H, R269H, R279H, R311H.
Identifiers: ClinVar variation 3389086 (VCV003389086.14).